The following is an entry in ClinVar:

NM_006901.4(MYO9A):c.1845-8T>A

Gene: MYO9A (myosin IXA; minus strand). Cytogenetic location: 15q23.
Variant type: single nucleotide variant.
Coding change: c.1845-8T>A on transcript NM_006901.4 (MANE Select); 8 bases into the intron before coding-DNA position 1845, T replaced by A.
Molecular consequence: intron variant.
Genome position (GRCh38, 1-based): chr15:71,968,133, A>T on the plus strand (T>A on the coding strand, the complement: MYO9A is on the minus strand). VCF-style: chr15-71968133-A-T. GRCh37 (hg19) VCF-style: chr15-72260474-A-T.
Identifiers: ClinVar variation 758508 (VCV000758508.44), dbSNP rs201411984, ClinGen allele CA7642074.
Genomic context (GRCh38, chr15:71,968,133, plus strand): 5'-CATGTTGATGCTTAAACTTGTCTAGCAATGTTTGATTTGTAGCCTGTGGAAAGCTGAATT[A>T]AAAAAAAAAGAAAAAATATCATTACAGAAAGATGAGAAAGATGCGGTAATTAGTACAGCC-3'

ClinVar aggregate classification (germline): Likely benign. Review status: criteria provided, multiple submitters, no conflicts (2 of 4 stars). 3 submissions from 3 submitters: Likely benign (2). 1 of the submissions does not count toward it. Last evaluated 2019-09-01.

Conditions:
MYO9A-related disorder. Also called: MYO9A-related condition.

Allele frequency attached by ClinVar (database versions not stated): gnomAD exomes 0.00013 and 0.00030; ExAC 0.00028; ESP Exome Variant Server 0.00039; gnomAD 0.00044 and 0.00045; TOPMed 0.00044; 1000 Genomes Project 0.00060; 1000 Genomes Project 30x 0.00062.
gnomAD v4.1: 208 of 1,201,050 alleles (0.017%); highest among the groups gnomAD compares: African/African-American, 0.12%; no homozygotes.

Submissions (3):

CeGaT Center for Human Genetics Tuebingen
Classification: Likely benign. Last evaluated: 2019-09-01. Review status: criteria provided, single submitter. Criteria: CeGaT Center For Human Genetics Tuebingen Variant Classification Criteria Version 2. Collection method: clinical testing. Allele origin: germline. Affected: yes. Observed: 1 variant allele.

Labcorp Genetics (formerly Invitae), Labcorp
Classification: Likely benign. Last evaluated: 2018-07-18. Review status: criteria provided, single submitter. Criteria: Invitae Variant Classification Sherloc (09022015). Collection method: clinical testing. Allele origin: germline.

PreventionGenetics, part of Exact Sciences
Classification: Likely benign for MYO9A-related condition. Last evaluated: 2019-02-20. Review status: no assertion criteria provided. Collection method: clinical testing. Allele origin: germline. Not counted in ClinVar's aggregate classification.
Comment: This variant is classified as likely benign based on ACMG/AMP sequence variant interpretation guidelines (Richards et al. 2015 PMID: 25741868, with internal and published modifications).